The following is an entry in ClinVar:

NM_001127511.3(APC):c.165+20431G>T

Gene: APC (APC regulator of Wnt signaling pathway; plus strand). Cytogenetic location: 5q22.2.
Variant type: single nucleotide variant.
Coding change: c.165+20431G>T on transcript NM_001127511.3; 20431 bases into the intron after coding-DNA position 165, G replaced by T.
Molecular consequence: intron variant.
Genome position (GRCh38, 1-based): chr5:112,728,313, G>T. VCF-style: chr5-112728313-G-T. GRCh37 (hg19) VCF-style: chr5-112064010-G-T.
Other names: c.-1054+20431G>T (NM_001407470.1, NM_001407472.1); c.-19+20431G>T (NM_001407447.1, NM_001354895.2, NM_001407456.1 and 3 more transcripts); c.165+20431G>T (NM_001407446.1, NM_001354897.2, NM_001354902.2); c.-19+20664G>T (NM_001407448.1, NM_001407450.1, NM_001407457.1 and 1 more transcripts); c.-43+20664G>T (NM_001407453.1).
Identifiers: ClinVar variation 82705 (VCV000082705.4), dbSNP rs79348046, ClinGen allele CA023483.
Genomic context (GRCh38, chr5:112,728,313, plus strand): 5'-GAGTAGCTGGGATTACAGGCGCCCACCACCATGCCTGCCTATTGTTTTTTTGTATTTTTA[G>T]TAGAGACGGGGTTTCACCATGTTGGCCAGGCTGCTCTTGAACTCCTGACCTCAAATGATC-3'

ClinVar aggregate classification (germline): other (0 of 4 stars; one submission).

Conditions:
Familial colorectal cancer. Identifiers: MedGen CN280943, MONDO:0023113. Disease mechanism: loss of function.

Submission:

Systems Biology Platform Zhejiang California International NanoSystems Institute
Classification: other for Familial colorectal cancer. Review status: no assertion criteria provided. Collection method: not provided. Allele origin: unknown.
ClinVar note: Converted during submission from cancer to other.